The following is an entry in ClinVar:

ClinVar aggregate classification (germline): Uncertain significance (1 of 4 stars; one submission).

gnomAD v4.1: 1 of 1,610,500 alleles (0.000062%); highest among the groups gnomAD compares: Non-Finnish European, 0.000085%; no homozygotes.

Submission:

GeneDx
Classification: Uncertain significance. Last evaluated: 2024-06-03. Review status: criteria provided, single submitter. Criteria: GeneDx Variant Classification Process June 2021. Collection method: clinical testing. Allele origin: germline. Affected: yes.
Comment: Not observed at significant frequency in large population cohorts (gnomAD); In silico analysis supports that this missense variant has a deleterious effect on protein structure/function; Has not been previously published as pathogenic or benign to our knowledge

NM_001378414.1(HDAC4):c.1289T>G (p.Val430Gly)

Gene: HDAC4 (histone deacetylase 4; minus strand). Cytogenetic location: 2q37.3.
Variant type: single nucleotide variant.
Coding change: c.1289T>G on transcript NM_001378414.1 (MANE Select); coding-DNA position 1289, T replaced by G.
Protein change: p.Val430Gly; replaces valine 430 with glycine.
Molecular consequence: missense variant.
Genome position (GRCh38, 1-based): chr2:239,134,250, A>C on the plus strand (T>G on the coding strand, the complement: HDAC4 is on the minus strand). VCF-style: chr2-239134250-A-C. GRCh37 (hg19) VCF-style: chr2-240055946-A-C.
Other names: c.1289T>G, p.Val430Gly (NM_001378415.1, NM_001378416.1, NM_001378417.1 and 1 more transcripts); short protein forms V430G.
Identifiers: ClinVar variation 3384492 (VCV003384492.1).
Genomic context (GRCh38, chr2:239,134,250, plus strand): 5'-TCCAGAGCGTGGGCAGCCTCAGAGCCTGGCTGCACCCAGGCCCATTTGTGCTCACCTGTG[A>C]CGAGGGGTGCTTGTGCCGGCGGCTGCTCCAGTAAGACCATGTGCTGCAGAAGAGGGCTGT-3'
Protein context (NP_001365343.1, residues 420-440): LEQPPAQAPL[Val430Gly]TDWYLSGLGA